The following is an entry in ClinVar:

NC_000017.10:g.(?_11757300)_(11757765_?)dup

Gene: DNAH9 (dynein axonemal heavy chain 9; plus strand). Cytogenetic location: 17p12.
Variant type: Duplication.
Identifiers: ClinVar variation 2424149 (VCV002424149.4).

ClinVar aggregate classification (germline): Uncertain significance (1 of 4 stars; one submission).

Submission:

Labcorp Genetics (formerly Invitae), Labcorp
Classification: Uncertain significance. Last evaluated: 2022-10-17. Review status: criteria provided, single submitter. Criteria: Invitae Variant Classification Sherloc (09022015). Collection method: clinical testing. Allele origin: germline.
Comment: This variant results in a copy number gain of the genomic region encompassing exon(s) 50 of the DNAH9 gene. While the exact position of this variant cannot be determined from the data, sub-genic copy number gains are generally in tandem (PMID: 25640679). This variant is predicted to be in-frame, and likely preserves the integrity of the reading frame. In summary, the available evidence is currently insufficient to determine the role of this variant in disease. Therefore, it has been classified as a Variant of Uncertain Significance. This variant has not been reported in the literature in individuals affected with DNAH9-related conditions.

Literature cited by the submitters: PubMed 25640679.